The following is an entry in ClinVar:

NM_001286577.2(C2CD3):c.3695A>G (p.Asn1232Ser)

Gene: C2CD3 (C2 domain containing 3 centriole elongation regulator; minus strand). Cytogenetic location: 11q13.4.
Variant type: single nucleotide variant.
Coding change: c.3695A>G on transcript NM_001286577.2 (MANE Select); coding-DNA position 3695, A replaced by G.
Protein change: p.Asn1232Ser; replaces asparagine 1232 with serine.
Molecular consequence: missense variant.
Genome position (GRCh38, 1-based): chr11:74,085,833, T>C on the plus strand (A>G on the coding strand, the complement: C2CD3 is on the minus strand). VCF-style: chr11-74085833-T-C. GRCh37 (hg19) VCF-style: chr11-73796878-T-C.
Other names: c.3695A>G, p.Asn1232Ser (NM_015531.6); short protein forms N1232S.
Identifiers: ClinVar variation 235701 (VCV000235701.41), dbSNP rs140307393, ClinGen allele CA6182305.

ClinVar aggregate classification (germline): Benign/Likely benign. Review status: criteria provided, multiple submitters, no conflicts (2 of 4 stars). 7 submissions from 7 submitters: Benign (2); Likely benign (2). 3 of the submissions do not count toward it. Last evaluated 2026-09-01.

Conditions:
C2CD3-related disorder. Also called: C2CD3-related condition.

Allele frequency attached by ClinVar (database versions not stated): 1000 Genomes Project 0.00359; 1000 Genomes Project 30x 0.00437; gnomAD 0.00525 and 0.00561; TOPMed 0.00548; ESP Exome Variant Server 0.00624; gnomAD exomes 0.00701 and 0.00809; ExAC 0.00740.
gnomAD v4.1: 12,649 of 1,614,070 alleles (0.78%); highest among the groups gnomAD compares: South Asian, 1.3%; 72 homozygotes.

Submissions (18):

CeGaT Center for Human Genetics Tuebingen
Classification: Benign. Last evaluated: 2026-09-01. Review status: criteria provided, single submitter. Criteria: CeGaT Center For Human Genetics Tuebingen Variant Classification Criteria Version 2. Collection method: clinical testing. Allele origin: germline. Affected: yes. Observed: 9 variant alleles.
Comment: C2CD3: BS1, BS2

Labcorp Genetics (formerly Invitae), Labcorp
Classification: Benign. Last evaluated: 2026-02-01. Review status: criteria provided, single submitter. Criteria: Invitae Variant Classification Sherloc (09022015). Collection method: clinical testing. Allele origin: germline.

Center for Pediatric Genomic Medicine, Children's Mercy Hospital and Clinics
Classification: Likely benign. Last evaluated: 2016-05-09. Review status: criteria provided, single submitter. Criteria: ACMG Guidelines, 2015. Collection method: clinical testing. Allele origin: germline.
ClinVar note: Converted during submission from Likely Benign to Likely benign.

Breakthrough Genomics
Classification: Likely benign. Review status: criteria provided, single submitter. Criteria: ACMG Guidelines, 2015. Collection method: not provided. Allele origin: germline. Inheritance: Autosomal recessive inheritance. Affected: yes.

PreventionGenetics, part of Exact Sciences
Classification: Benign for C2CD3-related condition. Last evaluated: 2019-06-10. Review status: no assertion criteria provided. Collection method: clinical testing. Allele origin: germline. Not counted in ClinVar's aggregate classification.
Comment: This variant is classified as benign based on ACMG/AMP sequence variant interpretation guidelines (Richards et al. 2015 PMID: 25741868, with internal and published modifications).

Clinical Genetics DNA and cytogenetics Diagnostics Lab, Erasmus MC, Erasmus Medical Center
Classification: Benign. Review status: no assertion criteria provided. Collection method: clinical testing. Allele origin: germline. Affected: yes. Study: VKGL Data-share Consensus. Not counted in ClinVar's aggregate classification.

Dr. Peter K. Rogan Lab, Western University
No classification provided (evidence only). Condition: Acute myeloid leukemia. Review status: no classification provided. Collection method: in vitro. Allele origin: not applicable. Functional consequence: retained intron. Not counted in ClinVar's aggregate classification.

Dr. Peter K. Rogan Lab, Western University
No classification provided (evidence only). Condition: Thyroid cancer, nonmedullary, 1. Review status: no classification provided. Collection method: in vitro. Allele origin: not applicable. Functional consequence: retained intron. Not counted in ClinVar's aggregate classification.

Dr. Peter K. Rogan Lab, Western University
No classification provided (evidence only). Condition: Uterine corpus endometrial carcinoma. Review status: no classification provided. Collection method: in vitro. Allele origin: not applicable. Functional consequence: retained intron. Not counted in ClinVar's aggregate classification.

Dr. Peter K. Rogan Lab, Western University
No classification provided (evidence only). Condition: Cervical cancer. Review status: no classification provided. Collection method: in vitro. Allele origin: not applicable. Functional consequence: retained intron. Not counted in ClinVar's aggregate classification.

Dr. Peter K. Rogan Lab, Western University
No classification provided (evidence only). Condition: Cervical cancer. Review status: no classification provided. Collection method: in vitro. Allele origin: not applicable. Functional consequence: retained intron. Not counted in ClinVar's aggregate classification.

Dr. Peter K. Rogan Lab, Western University
No classification provided (evidence only). Condition: Hepatocellular carcinoma. Review status: no classification provided. Collection method: in vitro. Allele origin: not applicable. Functional consequence: retained intron. Not counted in ClinVar's aggregate classification.

Dr. Peter K. Rogan Lab, Western University
No classification provided (evidence only). Condition: Hepatocellular carcinoma. Review status: no classification provided. Collection method: in vitro. Allele origin: not applicable. Functional consequence: retained intron. Not counted in ClinVar's aggregate classification.

Dr. Peter K. Rogan Lab, Western University
No classification provided (evidence only). Condition: Thymoma. Review status: no classification provided. Collection method: in vitro. Allele origin: not applicable. Functional consequence: retained intron. Not counted in ClinVar's aggregate classification.

Dr. Peter K. Rogan Lab, Western University
No classification provided (evidence only). Condition: Gastric cancer. Review status: no classification provided. Collection method: in vitro. Allele origin: not applicable. Functional consequence: retained intron. Not counted in ClinVar's aggregate classification.

Dr. Peter K. Rogan Lab, Western University
No classification provided (evidence only). Condition: Gastric cancer. Review status: no classification provided. Collection method: in vitro. Allele origin: not applicable. Functional consequence: retained intron. Not counted in ClinVar's aggregate classification.

Dr. Peter K. Rogan Lab, Western University
No classification provided (evidence only). Condition: Uterine carcinosarcoma. Review status: no classification provided. Collection method: in vitro. Allele origin: not applicable. Functional consequence: retained intron. Not counted in ClinVar's aggregate classification.

Laboratory of Diagnostic Genome Analysis, Leiden University Medical Center (LUMC)
Classification: Likely benign. Review status: no assertion criteria provided. Collection method: clinical testing. Allele origin: germline. Affected: yes. Study: VKGL Data-share Consensus. Not counted in ClinVar's aggregate classification.